The following is an entry in ClinVar:

ClinVar aggregate classification (germline): Likely pathogenic (1 of 4 stars; one submission).

Conditions:
NR1H4-related disorder. Also called: NR1H4-related condition.

Submission:

PreventionGenetics, part of Exact Sciences
Classification: Likely pathogenic for NR1H4-related condition. Last evaluated: 2024-10-17. Review status: criteria provided, single submitter. Criteria: ACMG Guidelines, 2015. Collection method: clinical testing. Allele origin: germline.
Comment: The NR1H4 c.783delC variant is predicted to result in a frameshift and premature protein termination (p.Asn261Lysfs*9). To our knowledge, this variant has not been reported in the literature or in a large population database (gnomAD), indicating this variant is rare. Frameshift variants in NR1H4 are expected to be pathogenic. This variant is interpreted as likely pathogenic.

NM_001206979.2(NR1H4):c.795del (p.Asn265fs)

Gene: NR1H4 (nuclear receptor subfamily 1 group H member 4; plus strand). Cytogenetic location: 12q23.1.
Variant type: Deletion.
Coding change: c.795del on transcript NM_001206979.2 (MANE Select); coding-DNA position 795, one base deleted (C; older notation c.795delC).
Protein change: p.Asn265fs; shifts the reading frame from asparagine 265.
Molecular consequence: frameshift variant. On other transcripts: non-coding transcript variant (1).
Genome position (GRCh38, 1-based): chr12:100,536,574, C deleted. VCF-style (leftmost placement, unchanged base first): chr12-100536573-AC-A. GRCh37 (hg19) VCF-style: chr12-100930351-AC-A.
Other names: c.795del, p.Asn265fs (NM_001206977.2); c.642del, p.Asn214fs (NM_001206978.2); c.813del, p.Asn271fs (NM_001206992.2); c.825del, p.Asn275fs (NM_001206993.2); c.783del, p.Asn261fs (NM_005123.4); short protein forms N214fs, N261fs, N265fs, N275fs, N271fs.
Identifiers: ClinVar variation 5002031 (VCV005002031.1).
Genomic context (GRCh38, chr12:100,536,573, plus strand): 5'-AGAAAACTGAACTCACCCCAGATCAACAGACTCTTCTACATTTTATTATGGATTCATATA[AC>A]AAACAGAGGATGCCTCAGGAAATAACAAATAAAATTGTATGTATAATATCTGAAAATATG-3'